The following is an entry in ClinVar:

ClinVar aggregate classification (germline): Pathogenic. Review status: criteria provided, multiple submitters, no conflicts (2 of 4 stars). 2 submissions from 2 submitters: Pathogenic (2). Last evaluated 2024-10-21.

Conditions:
Cardiomyopathy (CMYO). Also called: Cardiomyopathies. Identifiers: Orphanet 167848, MedGen C0878544, MONDO:0004994, HP:0001638. Inheritance: Various modes of inheritance.
Hypertrophic cardiomyopathy. Also called: HYPERTROPHIC MYOCARDIOPATHY. Identifiers: Orphanet 217569, MedGen C0007194, MeSH D002312, MONDO:0005045, HP:0001639.

Submissions (2):

Color Diagnostics, LLC DBA Color Health
Classification: Pathogenic for Cardiomyopathy. Last evaluated: 2024-10-21. Review status: criteria provided, single submitter. Criteria: ACMG Guidelines, 2015. Collection method: clinical testing. Allele origin: germline.
Comment: This variant changes 1 nucleotide in exon 29 of the MYBPC3 gene, creating a premature translation stop signal. This variant is expected to result in an absent or non-functional protein product. This variant has been reported in several individuals affected with hypertrophic cardiomyopathy (PMID: 31110529, 36481846, 38757491, 38811883). This variant has not been identified in the general population by the Genome Aggregation Database (gnomAD). Loss of MYBPC3 function is a known mechanism of disease. Based on the available evidence, this variant is classified as Pathogenic.

All of Us Research Program, National Institutes of Health
Classification: Pathogenic for Hypertrophic cardiomyopathy. Last evaluated: 2024-09-02. Review status: criteria provided, single submitter. Criteria: ACMG Guidelines, 2015. Collection method: clinical testing. Allele origin: germline. Inheritance: Autosomal dominant inheritance. Observed: 1 variant allele, 1 heterozygote.
Comment: The c.3130C>T (p.Gln1044*) variant in MYBPC3 gene is located in exon 29. It introduces a premature termination codon and is predicted to result in an absent or aberrant MYBPC3 protein. This variant has been identified in two unrelated individuals with hypertrophic cardiomyopathy (HCM) (PMID: 28356264, 36481846). Other truncating variants in this exon have been classified as pathogenic/likely pathogenic in ClinVar by multiple submitters (p.Tyr1043*; p.Lys1055*; p.Gln1061*). Loss-of-function variants in MYBPC3 gene are known to be pathogenic (PMID: 19574547). This variant is absent in the general population (gnomAD (v4.1.0)). Therefore, the c.3130C>T (p.Gln1044*) variant in MYBPC3 is classified as pathogenic.

This study involves interpretation of variants in research participants for the purpose of population health screening. Participant phenotype was not available at the time of variant classification. Additional details can be found in publication PMID: 35346344, PMCID: PMC8962531

Literature cited by the submitters: PubMed 31110529 (cited by Color Diagnostics, LLC DBA Color Health); PubMed 36481846 (cited by Color Diagnostics, LLC DBA Color Health and All of Us Research Program, National Institutes of Health); PubMed 38757491 (cited by Color Diagnostics, LLC DBA Color Health); PubMed 38811883 (cited by Color Diagnostics, LLC DBA Color Health); PubMed 19574547 (cited by All of Us Research Program, National Institutes of Health); PubMed 28356264 (cited by All of Us Research Program, National Institutes of Health).

NM_000256.3(MYBPC3):c.3130C>T (p.Gln1044Ter)

Gene: MYBPC3 (myosin binding protein C3; minus strand). Cytogenetic location: 11p11.2.
Variant type: single nucleotide variant.
Coding change: c.3130C>T on transcript NM_000256.3 (MANE Select); coding-DNA position 3130, C replaced by T.
Protein change: p.Gln1044Ter; replaces glutamine 1044 with a stop codon.
Molecular consequence: nonsense.
Genome position (GRCh38, 1-based): chr11:47,333,617, G>A on the plus strand (C>T on the coding strand, the complement: MYBPC3 is on the minus strand). VCF-style: chr11-47333617-G-A. GRCh37 (hg19) VCF-style: chr11-47355168-G-A.
Other names: short protein forms Q1044*.
Identifiers: ClinVar variation 3387098 (VCV003387098.2).